The following is an entry in ClinVar:

ClinVar aggregate classification (germline): Benign. Review status: reviewed by expert panel (3 of 4 stars). 13 submissions from 12 submitters: Benign (1). 12 of the submissions do not count toward it. Last evaluated 2015-01-12.
ClinVar aggregate classification (somatic clinical impact): Tier IV - Benign/Likely benign (0 of 4 stars; one submission).

Conditions:
Hereditary cancer-predisposing syndrome. Also called: Neoplastic Syndromes, Hereditary; Tumor predisposition; Hereditary neoplastic syndrome; Hereditary Cancer Syndrome. Identifiers: Orphanet 140162, MedGen C0027672, MeSH D009386, MONDO:0015356.
Hereditary breast ovarian cancer syndrome. Also called: Hereditary breast and ovarian cancer syndrome; Hereditary breast and ovarian cancer; Hereditary breast and/or ovarian cancer syndrome; Breast and ovarian cancer; BRCA1- and BRCA2-Associated Hereditary Breast and Ovarian Cancer; Hereditary breast and ovarian cancer syndrome (HBOC). Identifiers: Orphanet 145, MedGen C0677776, MeSH D061325, MONDO:0003582. Disease mechanism: loss of function.
Breast-ovarian cancer, familial, susceptibility to, 2 (BROVCA2). Also called: BRCA2 Hereditary Breast and Ovarian Cancer. Identifiers: Orphanet 145, MedGen C2675520, MONDO:0012933, OMIM 612555. Disease mechanism: loss of function.
Familial cancer of breast. Also called: Hereditary breast cancer; BREAST CANCER, FAMILIAL; hereditary breast carcinoma. Identifiers: Orphanet 227535, MedGen C0346153, MONDO:0016419, OMIM 114480. Disease mechanism: loss of function.

Allele frequency attached by ClinVar (database versions not stated): 1000 Genomes Project 0.51158; gnomAD exomes 0.52228; 1000 Genomes Project 30x 0.50859; gnomAD 0.51824 and 0.51823; TOPMed 0.51074.
gnomAD v4.1: 781,947 of 1,499,332 alleles (52%); highest among the groups gnomAD compares: East Asian, 60%; 205,081 homozygotes.

Submissions (14):

Evidence-based Network for the Interpretation of Germline Mutant Alleles (ENIGMA)
Classification: Benign for Breast-ovarian cancer, familial 2. Last evaluated: 2015-01-12. Review status: reviewed by expert panel. Criteria: ENIGMA BRCA1/2 Classification Criteria (2015). Collection method: curation. Allele origin: germline.
Comment: Class 1 not pathogenic based on frequency >1% in an outbred sampleset. Frequency 0.549 (Asian), 0.502 (African), 0.5383 (European), derived from 1000 genomes (2012-04-30).

KCCC/NGS Laboratory, Kuwait Cancer Control Center
Classification: Benign for Familial cancer of breast. Last evaluated: 2025-02-01. Review status: criteria provided, single submitter. Criteria: ACMG Guidelines, 2015. Collection method: clinical testing. Allele origin: germline. Affected: no. Not counted in ClinVar's aggregate classification.

KCCC/NGS Laboratory, Kuwait Cancer Control Center
Classification: Benign for Breast-ovarian cancer, familial, susceptibility to, 2. Last evaluated: 2023-07-07. Review status: criteria provided, single submitter. Criteria: ACMG Guidelines, 2015. Collection method: clinical testing. Allele origin: germline. Affected: yes. Not counted in ClinVar's aggregate classification.

National Health Laboratory Service, Universitas Academic Hospital and University of the Free State
Classification: Benign for Hereditary breast ovarian cancer syndrome. Last evaluated: 2022-04-19. Review status: criteria provided, single submitter. Criteria: ACMG Guidelines, 2015. Collection method: clinical testing. Allele origin: germline. Affected: yes. Observed: 949 variant alleles. Not counted in ClinVar's aggregate classification.

GeneKor MSA
Classification: Benign. Last evaluated: 2017-11-01. Review status: criteria provided, single submitter. Criteria: ACMG Guidelines, 2015. Collection method: clinical testing. Allele origin: germline. Affected: yes. Not counted in ClinVar's aggregate classification.

Ambry Genetics
Classification: Benign for Hereditary cancer-predisposing syndrome. Last evaluated: 2014-11-19. Review status: criteria provided, single submitter. Criteria: Ambry Variant Classification Scheme 2023. Collection method: clinical testing. Allele origin: germline. Not counted in ClinVar's aggregate classification.

Genome Diagnostics Laboratory, University Medical Center Utrecht
Classification: Benign for Breast-ovarian cancer, familial, susceptibility to, 2. Last evaluated: 2014-10-09. Review status: criteria provided, single submitter. Criteria: ACGS Guidelines, 2013. Collection method: clinical testing. Allele origin: germline. Affected: yes. Study: VKGL Data-share Consensus. Not counted in ClinVar's aggregate classification.

Breakthrough Genomics
Classification: Benign. Review status: criteria provided, single submitter. Criteria: ACMG Guidelines, 2015. Collection method: not provided. Allele origin: germline. Inheritance: Autosomal recessive inheritance. Affected: yes. Not counted in ClinVar's aggregate classification.

Department of Pathology and Laboratory Medicine, Sinai Health System
Classification: Benign. Review status: criteria provided, single submitter. Criteria: ACMG Guidelines, 2015. Collection method: clinical testing. Allele origin: germline. Affected: yes. Study: The Canadian Open Genetics Repository (COGR). Not counted in ClinVar's aggregate classification.

GreenArray Genomic Research & Solutions of Accurate Diagnostic Private Limited
Classification: Benign for Breast-ovarian cancer, familial, susceptibility to, 2. Review status: criteria provided, single submitter. Criteria: ACMG Guidelines, 2015. Collection method: clinical testing. Allele origin: germline. Affected: no. Not counted in ClinVar's aggregate classification.

PreventionGenetics, part of Exact Sciences
Classification: Benign. Review status: criteria provided, single submitter. Criteria: ACMG Guidelines, 2015. Collection method: clinical testing. Allele origin: germline. Not counted in ClinVar's aggregate classification.

Breast Cancer Information Core (BIC) (BRCA2)
No classification provided. Condition: Breast-ovarian cancer, familial 2. Review status: no classification provided. Collection method: clinical testing. Allele origin: germline. Affected: yes. Observed: 336 variant alleles. Not counted in ClinVar's aggregate classification.

Clinical Genetics Laboratory, Department of Pathology, Netherlands Cancer Institute
Classification: Benign. Review status: no assertion criteria provided. Collection method: clinical testing. Allele origin: germline. Affected: yes. Study: VKGL Data-share Consensus. Not counted in ClinVar's aggregate classification.

Faculté Pluridciplinaire Nador, Université Mohamed Premier
Classification: Tier IV - Benign/Likely benign for Familial cancer of breast. Review status: no assertion criteria provided. Collection method: research. Allele origin: somatic. Affected: yes.
Comment: The following databases and algorithms are used to annotate and evaluate the impact of the variant in the context of human disease: 1000 genomes, gnomAD, ClinVar, OMIM, dbSNP, NCIB RefSeq Genes, ExAC Gene Constraints, VS-SIFT, VS-PolyPhen2, PhyloP, GERP++, GeneSplicer, MaxEntScan, NNSplice, PWM Splice Predictor.

Literature cited by the submitters: DOI 10.3389/fgene.2022.834265 (cited by National Health Laboratory Service, Universitas Academic Hospital and University of the Free State).

NM_000059.4(BRCA2):c.8755-66T>C

Gene: BRCA2 (BRCA2 DNA repair associated; plus strand). Cytogenetic location: 13q13.1.
Variant type: single nucleotide variant.
Coding change: c.8755-66T>C on transcript NM_000059.4 (MANE Select); 66 bases into the intron before coding-DNA position 8755, T replaced by C.
Molecular consequence: intron variant.
Genome position (GRCh38, 1-based): chr13:32,379,251, T>C. VCF-style: chr13-32379251-T-C. GRCh37 (hg19) VCF-style: chr13-32953388-T-C.
Other names: IVS21-66T/C; IVS21-66T>C; IVS 21-66T>C.
Identifiers: ClinVar variation 126190 (VCV000126190.27), dbSNP rs4942486, ClinGen allele CA025813.
Genomic context (GRCh38, chr13:32,379,251, plus strand): 5'-ATTAACCACACCCTTAAGATGAGCTCTAATTTTGTTGTATTTGTCCTGTTTAAAGCCATC[T>C]AGTTACAATAGATGGAACTTTTTTGTTCTGATTGCTTTTTATTCCAATATCTTAAATGGT-3'